The following is an entry in ClinVar:

ClinVar aggregate classification (germline): Likely benign (0 of 4 stars; one submission).

Conditions:
TIAM1-related disorder. Also called: TIAM1-related condition.

gnomAD v4.1: 7 of 1,612,762 alleles (0.00043%); highest among the groups gnomAD compares: East Asian, 0.013%; no homozygotes.

Submission:

PreventionGenetics, part of Exact Sciences
Classification: Likely benign for TIAM1-related condition. Last evaluated: 2024-06-20. Review status: no assertion criteria provided. Collection method: clinical testing. Allele origin: germline.
Comment: This variant is classified as likely benign based on ACMG/AMP sequence variant interpretation guidelines (Richards et al. 2015 PMID: 25741868, with internal and published modifications).

NM_001353694.2(TIAM1):c.3372G>A (p.Val1124=)

Gene: TIAM1 (TIAM Rac1 associated GEF 1; minus strand). Cytogenetic location: 21q22.11.
Variant type: single nucleotide variant.
Coding change: c.3372G>A on transcript NM_001353694.2 (MANE Select); coding-DNA position 3372, G replaced by A.
Protein change: p.Val1124=; no amino-acid change (valine 1124 retained).
Molecular consequence: synonymous variant.
Genome position (GRCh38, 1-based): chr21:31,146,998, C>T on the plus strand (G>A on the coding strand, the complement: TIAM1 is on the minus strand). VCF-style: chr21-31146998-C-T. GRCh37 (hg19) VCF-style: chr21-32519316-C-T.
Other names: c.471G>A, p.Val157= (NM_001353684.2); c.396G>A, p.Val132= (NM_001353685.2); c.3297G>A, p.Val1099= (NM_001353686.2, NM_001353687.2); c.3372G>A, p.Val1124= (NM_001353688.1, NM_001353689.1, NM_001353690.1 and 4 more transcripts).
Identifiers: ClinVar variation 3358749 (VCV003358749.1).
Genomic context (GRCh38, chr21:31,146,998, plus strand): 5'-GGCACTGTAGAGCTTGAAGCGGTCAGCATAATACAGGAATGATCCCCCCAGAGAGAACAG[C>T]ACTTTCTGGATTTGACGAGAAAAGGCACAGTTGGTTGTTTCCTTCCTCCACTGGAAATAT-3'
Protein context (NP_001340623.1, residues 1114-1134): KLEKVDQFKK[Val1124=]LFSLGGSFLY